The following is an entry in ClinVar:

NM_005228.5(EGFR):c.247C>G (p.Gln83Glu)

Gene: EGFR (epidermal growth factor receptor; plus strand). Cytogenetic location: 7p11.2.
Variant type: single nucleotide variant.
Coding change: c.247C>G on transcript NM_005228.5 (MANE Select); coding-DNA position 247, C replaced by G.
Protein change: p.Gln83Glu; replaces glutamine 83 with glutamic acid.
Molecular consequence: missense variant. On other transcripts: intron variant (1).
Genome position (GRCh38, 1-based): chr7:55,143,311, C>G. VCF-style: chr7-55143311-C-G. GRCh37 (hg19) VCF-style: chr7-55211004-C-G.
Other names: c.247C>G, p.Gln83Glu (NM_001346897.2, NM_001346898.2, NM_001346899.2 and 3 more transcripts); c.88C>G, p.Gln30Glu (NM_001346900.2); c.89-12519C>G (NM_001346941.2); short protein forms Q83E, Q30E.
Identifiers: ClinVar variation 847434 (VCV000847434.11), dbSNP rs867736946, ClinGen allele CA367575633.

ClinVar aggregate classification (germline): Uncertain significance. Review status: criteria provided, multiple submitters, no conflicts (2 of 4 stars). 2 submissions from 2 submitters: Uncertain significance (2). Last evaluated 2026-04-06.

Conditions:
Hereditary cancer-predisposing syndrome. Also called: Tumor predisposition; Neoplastic Syndromes, Hereditary; Hereditary neoplastic syndrome; Hereditary Cancer Syndrome. Identifiers: Orphanet 140162, MedGen C0027672, MeSH D009386, MONDO:0015356.
EGFR-related lung cancer (EGFR). Identifiers: MedGen CN130014.

Allele frequency attached by ClinVar (database versions not stated): gnomAD exomes below 0.00001; TOPMed 0.00001.
gnomAD v4.1: 1 of 1,614,186 alleles (0.000062%); highest among the groups gnomAD compares: Non-Finnish European, 0.000085%; no homozygotes.

Submissions (2):

Ambry Genetics
Classification: Uncertain significance for Hereditary cancer-predisposing syndrome. Last evaluated: 2026-04-06. Review status: criteria provided, single submitter. Criteria: Ambry Variant Classification Scheme 2023. Collection method: clinical testing. Allele origin: germline.
Comment: The p.Q83E variant (also known as c.247C>G), located in coding exon 3 of the EGFR gene, results from a C to G substitution at nucleotide position 247. The glutamine at codon 83 is replaced by glutamic acid, an amino acid with highly similar properties. This amino acid position is well conserved in available vertebrate species. In addition, this alteration is predicted to be tolerated by in silico analysis. Based on the available evidence, the clinical significance of this variant remains unclear.

Labcorp Genetics (formerly Invitae), Labcorp
Classification: Uncertain significance for EGFR-related lung cancer. Last evaluated: 2025-12-15. Review status: criteria provided, single submitter. Criteria: Invitae Variant Classification Sherloc (09022015). Collection method: clinical testing. Allele origin: germline.
Comment: This sequence change replaces glutamine, which is neutral and polar, with glutamic acid, which is acidic and polar, at codon 83 of the EGFR protein (p.Gln83Glu). This variant is not present in population databases (gnomAD no frequency). This variant has not been reported in the literature in individuals affected with EGFR-related conditions. ClinVar contains an entry for this variant (Variation ID: 847434). Invitae Evidence Modeling of protein sequence and biophysical properties (such as structural, functional, and spatial information, amino acid conservation, physicochemical variation, residue mobility, and thermodynamic stability) indicates that this missense variant is not expected to disrupt EGFR protein function with a negative predictive value of 80%. In summary, the available evidence is currently insufficient to determine the role of this variant in disease. Therefore, it has been classified as a Variant of Uncertain Significance.